The following is an entry in ClinVar:

ClinVar aggregate classification (germline): Uncertain significance. Review status: criteria provided, multiple submitters, no conflicts (2 of 4 stars). 2 submissions from 2 submitters: Uncertain significance (2). Last evaluated 2022-08-03.

Conditions:
Inborn genetic diseases. Identifiers: MedGen C0950123, MeSH D030342.
MEGF10-related myopathy (CMYO10A). Also called: Congenital myopathy 10A, severe variant. Identifiers: Orphanet 439212, MedGen C3280679, MONDO:0013731, OMIM 614399.

Allele frequency attached by ClinVar (database versions not stated): ExAC 0.00002; gnomAD exomes 0.00003; TOPMed 0.00003.
gnomAD v4.1: 27 of 1,613,924 alleles (0.0017%); highest among the groups gnomAD compares: Admixed American, 0.0083%; no homozygotes.

Submissions (2):

Labcorp Genetics (formerly Invitae), Labcorp
Classification: Uncertain significance for MEGF10-related myopathy. Last evaluated: 2022-08-03. Review status: criteria provided, single submitter. Criteria: Invitae Variant Classification Sherloc (09022015). Collection method: clinical testing. Allele origin: germline.
Comment: This sequence change replaces aspartic acid, which is acidic and polar, with asparagine, which is neutral and polar, at codon 204 of the MEGF10 protein (p.Asp204Asn). This variant is present in population databases (rs764004112, gnomAD 0.01%). This variant has not been reported in the literature in individuals affected with MEGF10-related conditions. ClinVar contains an entry for this variant (Variation ID: 1480351). Algorithms developed to predict the effect of missense changes on protein structure and function (SIFT, PolyPhen-2, Align-GVGD) all suggest that this variant is likely to be tolerated. In summary, the available evidence is currently insufficient to determine the role of this variant in disease. Therefore, it has been classified as a Variant of Uncertain Significance.

Ambry Genetics
Classification: Uncertain significance for Inborn genetic diseases. Last evaluated: 2022-04-27. Review status: criteria provided, single submitter. Criteria: Ambry Variant Classification Scheme 2023. Collection method: clinical testing. Allele origin: germline.

NM_001256545.2(MEGF10):c.610G>A (p.Asp204Asn)

Gene: MEGF10 (multiple EGF like domains 10; plus strand). Cytogenetic location: 5q23.2.
Variant type: single nucleotide variant.
Coding change: c.610G>A on transcript NM_001256545.2 (MANE Select); coding-DNA position 610, G replaced by A.
Protein change: p.Asp204Asn; replaces aspartic acid 204 with asparagine.
Molecular consequence: missense variant.
Genome position (GRCh38, 1-based): chr5:127,396,729, G>A. VCF-style: chr5-127396729-G-A. GRCh37 (hg19) VCF-style: chr5-126732421-G-A.
Other names: c.610G>A, p.Asp204Asn (NM_001308119.2, NM_001308121.2, NM_032446.3); c.610G>A (NM_032446.2); short protein forms D204N.
Identifiers: ClinVar variation 1480351 (VCV001480351.4), dbSNP rs764004112, ClinGen allele CA3391342.